The following is an entry in ClinVar:

NM_004036.5(ADCY3):c.1722C>T (p.Asp574=)

Gene: ADCY3 (adenylate cyclase 3; minus strand). Cytogenetic location: 2p23.3.
Variant type: single nucleotide variant.
Coding change: c.1722C>T on transcript NM_004036.5 (MANE Select); coding-DNA position 1722, C replaced by T.
Protein change: p.Asp574=; no amino-acid change (aspartic acid 574 retained).
Molecular consequence: synonymous variant.
Genome position (GRCh38, 1-based): chr2:24,834,877, G>A on the plus strand (C>T on the coding strand, the complement: ADCY3 is on the minus strand). VCF-style: chr2-24834877-G-A. GRCh37 (hg19) VCF-style: chr2-25057746-G-A.
Other names: c.1722C>T, p.Asp574= (NM_001320613.2, NM_001377129.1, NM_001377130.1 and 1 more transcripts); c.1788C>T, p.Asp596= (NM_001377128.1); c.999C>T, p.Asp333= (NM_001377131.1).
Identifiers: ClinVar variation 3045386 (VCV003045386.2), dbSNP rs747444671, ClinGen allele CA1554027.

ClinVar aggregate classification (germline): Likely benign (0 of 4 stars; one submission).

Conditions:
ADCY3-related disorder. Also called: ADCY3-related condition.

Allele frequency attached by ClinVar (database versions not stated): gnomAD exomes below 0.00001; TOPMed below 0.00001; ExAC 0.00001.
gnomAD v4.1: 2 of 1,613,940 alleles (0.00012%); highest among the groups gnomAD compares: Non-Finnish European, 0.00017%; no homozygotes.

Submission:

PreventionGenetics, part of Exact Sciences
Classification: Likely benign for ADCY3-related condition. Last evaluated: 2023-03-13. Review status: no assertion criteria provided. Collection method: clinical testing. Allele origin: germline.
Comment: This variant is classified as likely benign based on ACMG/AMP sequence variant interpretation guidelines (Richards et al. 2015 PMID: 25741868, with internal and published modifications).